The following is an entry in ClinVar:

NM_001355436.2(SPTB):c.877-1_886del

Gene: SPTB (spectrin beta, erythrocytic; minus strand). Cytogenetic location: 14q23.3.
Variant type: Deletion.
Coding change: c.877-1_886del on transcript NM_001355436.2 (MANE Select); the canonical splice acceptor site of the intron before coding-DNA position 877 through coding-DNA position 886, 11 bases deleted (GGTTATTGACC).
Molecular consequence: splice acceptor variant.
Genome position (GRCh38, 1-based): chr14:64,799,925-64,799,935, GGTCAATAACC deleted on the plus strand (GGTTATTGACC on the coding strand, the reverse complement: SPTB is on the minus strand). VCF-style (leftmost placement, unchanged base first): chr14-64799924-TGGTCAATAACC-T. GRCh37 (hg19) VCF-style: chr14-65266642-TGGTCAATAACC-T.
Other names: c.877-1_886del (NM_001024858.4, NM_001355437.2).
Identifiers: ClinVar variation 3644990 (VCV003644990.2).

ClinVar aggregate classification (germline): Likely pathogenic (1 of 4 stars; one submission).

Submission:

Labcorp Genetics (formerly Invitae), Labcorp
Classification: Likely pathogenic. Last evaluated: 2024-03-07. Review status: criteria provided, single submitter. Criteria: Invitae Variant Classification Sherloc (09022015). Collection method: clinical testing. Allele origin: germline.
Comment: This variant results in the deletion of part of exon 8 (c.877-1_886del) of the SPTB gene. It is expected to disrupt RNA splicing. Variants that disrupt the donor or acceptor splice site typically lead to a loss of protein function (PMID: 16199547), and loss-of-function variants in SPTB are known to be pathogenic (PMID: 1391962, 1498324, 8844207, 26830532, 27292444). This variant is not present in population databases (gnomAD no frequency). This variant has not been reported in the literature in individuals affected with SPTB-related conditions. In summary, the currently available evidence indicates that the variant is pathogenic, but additional data are needed to prove that conclusively. Therefore, this variant has been classified as Likely Pathogenic.

Literature cited by the submitters: PubMed 16199547; PubMed 1391962; PubMed 1498324; PubMed 8844207; PubMed 26830532; PubMed 27292444.